The following is an entry in ClinVar:

NM_020822.3(KCNT1):c.3070C>T (p.Arg1024Cys)

Gene: KCNT1 (potassium sodium-activated channel subfamily T member 1; plus strand). Cytogenetic location: 9q34.3.
Variant type: single nucleotide variant.
Coding change: c.3070C>T on transcript NM_020822.3 (MANE Select); coding-DNA position 3070, C replaced by T.
Protein change: p.Arg1024Cys; replaces arginine 1024 with cysteine.
Molecular consequence: missense variant.
Genome position (GRCh38, 1-based): chr9:135,784,803, C>T. VCF-style: chr9-135784803-C-T. GRCh37 (hg19) VCF-style: chr9-138676649-C-T.
Other names: c.2935C>T, p.Arg979Cys (NM_001272003.2); short protein forms R1024C, R979C.
Identifiers: ClinVar variation 1487631 (VCV001487631.8), dbSNP rs554853844, ClinGen allele CA5327606.
Genomic context (GRCh38, chr9:135,784,803, plus strand): 5'-AGGGTTCCCACCCTGCAGATGAAAATCACCGAGGGCGACCTGTGGATCCGCACGTACGGC[C>T]GCCTCTTCCAGAAGCTCTGCTCCTCCAGCGCCGAGATCCCCATTGGCATCTACCGGACAG-3'
Protein context (NP_065873.2, residues 1014-1034): EGDLWIRTYG[Arg1024Cys]LFQKLCSSSA

ClinVar aggregate classification (germline): Uncertain significance (1 of 4 stars; one submission).

Conditions:
Autosomal dominant nocturnal frontal lobe epilepsy 5. Also called: KCNT1-Related Epilepsy; Epilepsy, nocturnal frontal lobe, 5; CILIARY DYSKINESIA, PRIMARY, 28, WITHOUT SITUS INVERSUS; CILIARY DYSKINESIA, PRIMARY, 28, WITH SITUS INVERSUS. Identifiers: Orphanet 98784, MedGen C3554306, MONDO:0014002, OMIM 615005.
Developmental and epileptic encephalopathy, 14 (DEE14). Also called: Early infantile epileptic encephalopathy 14. Identifiers: Orphanet 293181, MedGen C3554195, MONDO:0013989, OMIM 614959.

Allele frequency attached by ClinVar (database versions not stated): gnomAD 0.00001 and 0.00002; gnomAD exomes 0.00001 and 0.00002; TOPMed 0.00002; ExAC 0.00001.
gnomAD v4.1: 27 of 1,612,802 alleles (0.0017%); highest among the groups gnomAD compares: African/African-American, 0.0053%; no homozygotes.

Submission:

Labcorp Genetics (formerly Invitae), Labcorp
Classification: Uncertain significance for Autosomal dominant nocturnal frontal lobe epilepsy 5; Developmental and epileptic encephalopathy, 14. Last evaluated: 2024-10-23. Review status: criteria provided, single submitter. Criteria: Invitae Variant Classification Sherloc (09022015). Collection method: clinical testing. Allele origin: germline.
Comment: This sequence change replaces arginine, which is basic and polar, with cysteine, which is neutral and slightly polar, at codon 1024 of the KCNT1 protein (p.Arg1024Cys). This variant is present in population databases (rs554853844, gnomAD 0.01%). This missense change has been observed in individual(s) with clinical features of KCNT1-related conditions (internal data). ClinVar contains an entry for this variant (Variation ID: 1487631). Invitae Evidence Modeling of protein sequence and biophysical properties (such as structural, functional, and spatial information, amino acid conservation, physicochemical variation, residue mobility, and thermodynamic stability) indicates that this missense variant is expected to disrupt KCNT1 protein function with a positive predictive value of 80%. In summary, the available evidence is currently insufficient to determine the role of this variant in disease. Therefore, it has been classified as a Variant of Uncertain Significance.